The following is an entry in ClinVar:

NM_000388.4(CASR):c.26T>A (p.Val9Asp)

Gene: CASR (calcium sensing receptor; plus strand). Cytogenetic location: 3q21.1.
Variant type: single nucleotide variant.
Coding change: c.26T>A on transcript NM_000388.4 (MANE Select); coding-DNA position 26, T replaced by A.
Protein change: p.Val9Asp; replaces valine 9 with aspartic acid.
Molecular consequence: missense variant.
Genome position (GRCh38, 1-based): chr3:122,254,215, T>A. VCF-style: chr3-122254215-T-A. GRCh37 (hg19) VCF-style: chr3-121973062-T-A.
Other names: c.26T>A, p.Val9Asp (NM_001178065.2); short protein forms V9D.
Identifiers: ClinVar variation 2944255 (VCV002944255.3), dbSNP rs2473204987, ClinGen allele CA354361976.

ClinVar aggregate classification (germline): Uncertain significance (1 of 4 stars; one submission).

Conditions:
Autosomal dominant hypocalcemia 1 (HYPOC1). Also called: HYPOCALCEMIA, FAMILIAL. Identifiers: MedGen C3715128, MONDO:0011013, OMIM 601198.
Familial hypocalciuric hypercalcemia (FHH). Also called: Familial benign hypercalcemia. Identifiers: Orphanet 405, MedGen C1809471, MONDO:0018458.

Submission:

Labcorp Genetics (formerly Invitae), Labcorp
Classification: Uncertain significance for Familial hypocalciuric hypercalcemia; Autosomal dominant hypocalcemia 1. Last evaluated: 2023-02-14. Review status: criteria provided, single submitter. Criteria: Invitae Variant Classification Sherloc (09022015). Collection method: clinical testing. Allele origin: germline.
Comment: Algorithms developed to predict the effect of missense changes on protein structure and function are either unavailable or do not agree on the potential impact of this missense change (SIFT: "Deleterious"; PolyPhen-2: "Benign"; Align-GVGD: "Class C15"). This sequence change replaces valine, which is neutral and non-polar, with aspartic acid, which is acidic and polar, at codon 9 of the CASR protein (p.Val9Asp). This variant is not present in population databases (gnomAD no frequency). This variant has not been reported in the literature in individuals affected with CASR-related conditions. In summary, the available evidence is currently insufficient to determine the role of this variant in disease. Therefore, it has been classified as a Variant of Uncertain Significance.